The following is an entry in ClinVar:

NM_001927.4(DES):c.1226T>C (p.Leu409Pro)

Gene: DES (desmin; plus strand). Cytogenetic location: 2q35.
Variant type: single nucleotide variant.
Coding change: c.1226T>C on transcript NM_001927.4 (MANE Select); coding-DNA position 1226, T replaced by C.
Protein change: p.Leu409Pro; replaces leucine 409 with proline.
Molecular consequence: missense variant.
Genome position (GRCh38, 1-based): chr2:219,421,542, T>C. VCF-style: chr2-219421542-T-C. GRCh37 (hg19) VCF-style: chr2-220286264-T-C.
Other names: short protein forms L409P.
Identifiers: ClinVar variation 44248 (VCV000044248.4), dbSNP rs397516687, ClinGen allele CA133817.
Genomic context (GRCh38, chr2:219,421,542, plus strand): 5'-AGGACCTGCTCAACGTGAAGATGGCCCTGGATGTGGAGATTGCCACCTACCGGAAGCTGC[T>C]GGAGGGAGAGGAGAGCCGGTGAGGGGCCAGGCAGGAGCCCGAGTGGGAGGTGCGGGGTGC-3'
Protein context (NP_001918.3, residues 399-419): DVEIATYRKL[Leu409Pro]EGEESRINLP

ClinVar aggregate classification (germline): Uncertain significance (1 of 4 stars; one submission).

Submission:

Laboratory for Molecular Medicine, Mass General Brigham Personalized Medicine
Classification: Uncertain significance. Last evaluated: 2011-01-07. Review status: criteria provided, single submitter. Criteria: LMM Criteria. Collection method: clinical testing. Allele origin: germline. Observed: 1 variant allele.
Comment: Variant classified as Uncertain Significance - Favor Pathogenic. The Leu409Pro v ariant has not been reported in the literature and has not been previously detec ted in over 254 Caucasian probands tested by our laboratory. Leucine (Leu) at p osition 409 is conserved across mammals and frogs, increasing the likelihood tha t the change is pathogenic. In addition, computational analyses (PolyPhen2, SIFT , AlignGVGD) suggest that the Leu409Pro variant may impact the protein. However, this information is not predictive enough to assume pathogenicity. In summary, evolutionary conservation and computational predictions support a pathogenic rol e but additional studies are necessary to determine the clinical significance of the Leu409Pro variant with certainty. Please note: Desmin variants are assoc iated with a variable clinical phenotype referred to as desmin-related myopathy (OMIM #601419) or myofibrillar myopathy, which can manifest as isolated myopathy (proximal or distal) or isolated cardiomyopathies (including DCM and RCM). Sen sory symptoms (muscle stiffness, aching, and cramps) are present in a small port ion of individuals. Peripheral neuropathy is present in about 20% and cardiomyop athy in 15%-30% of affected individuals.